The following is an entry in ClinVar:

ClinVar aggregate classification (germline): Uncertain significance (1 of 4 stars; one submission).

Conditions:
Cohen syndrome (COH1). Also called: PEPPER SYNDROME; Cutis verticis gyrata, retinitis pigmentosa, and sensorineural deafness. Identifiers: Orphanet 193, MedGen C0265223, MONDO:0008999, OMIM 216550.

Allele frequency attached by ClinVar (database versions not stated): gnomAD exomes below 0.00001.
gnomAD v4.1: 1 of 1,614,070 alleles (0.000062%); highest among the groups gnomAD compares: Admixed American, 0.0017%; no homozygotes.

Submission:

Labcorp Genetics (formerly Invitae), Labcorp
Classification: Uncertain significance for Cohen syndrome. Last evaluated: 2022-08-23. Review status: criteria provided, single submitter. Criteria: Invitae Variant Classification Sherloc (09022015). Collection method: clinical testing. Allele origin: germline.
Comment: This sequence change replaces isoleucine, which is neutral and non-polar, with methionine, which is neutral and non-polar, at codon 1294 of the VPS13B protein (p.Ile1294Met). This sequence change replaces isoleucine with methionine at codon 1294 of the VPS13B protein (p.Ile1294Met). This variant is present in population databases (no rsID available, gnomAD 0.003%). This variant has not been reported in the literature in individuals affected with VPS13B-related conditions. ClinVar contains an entry for this variant (Variation ID: 1364199). Algorithms developed to predict the effect of missense changes on protein structure and function are either unavailable or do not agree on the potential impact of this missense change (SIFT: "Not Available"; PolyPhen-2: "Benign"; Align-GVGD: "Not Available"). In summary, the available evidence is currently insufficient to determine the role of this variant in disease. Therefore, it has been classified as a Variant of Uncertain Significance.

NM_152564.5(VPS13B):c.3882A>G (p.Ile1294Met)

Gene: VPS13B (vacuolar protein sorting 13 homolog B; plus strand). Cytogenetic location: 8q22.2.
Variant type: single nucleotide variant.
Coding change: c.3882A>G on transcript NM_152564.5 (MANE Select); coding-DNA position 3882, A replaced by G.
Protein change: p.Ile1294Met; replaces isoleucine 1294 with methionine.
Molecular consequence: missense variant.
Genome position (GRCh38, 1-based): chr8:99,501,698, A>G. VCF-style: chr8-99501698-A-G. GRCh37 (hg19) VCF-style: chr8-100513926-A-G.
Other names: c.3882A>G, p.Ile1294Met (NM_017890.5); short protein forms I1294M.
Identifiers: ClinVar variation 1364199 (VCV001364199.8), dbSNP rs957432577, ClinGen allele CA182981220.
Genomic context (GRCh38, chr8:99,501,698, plus strand): 5'-TATTTTTGTTTATGTTACAAAGTAAGATTTTTTTTTCTCCTCATCCCAGGGAGATTCTAT[A>G]CAAGCAGGTGAGGAATCACCATTCTCAGATTCTGTGACCTTGGAACAAACTACAAGTAAT-3'
Protein context (NP_689777.3, residues 1284-1304): DIGTTTEGDS[Ile1294Met]QAGEESPFSD